The following is an entry in ClinVar:

ClinVar aggregate classification (germline): Uncertain significance (1 of 4 stars; one submission).

Conditions:
Myasthenic syndrome, congenital, 22 (CMS22). Also called: PREPL DEFICIENCY. Identifiers: MedGen C4479088, MONDO:0044299, OMIM 616224.

Allele frequency attached by ClinVar (database versions not stated): gnomAD 0.00002; TOPMed 0.00003.
gnomAD v4.1: 8 of 1,604,630 alleles (0.0005%); highest among the groups gnomAD compares: African/African-American, 0.0067%; no homozygotes.

Submission:

Labcorp Genetics (formerly Invitae), Labcorp
Classification: Uncertain significance for Myasthenic syndrome, congenital, 22. Last evaluated: 2021-09-24. Review status: criteria provided, single submitter. Criteria: Invitae Variant Classification Sherloc (09022015). Collection method: clinical testing. Allele origin: germline.
Comment: This sequence change replaces proline with arginine at codon 610 of the PREPL protein (p.Pro610Arg). The proline residue is moderately conserved and there is a moderate physicochemical difference between proline and arginine. This variant is not present in population databases (ExAC no frequency). This variant has not been reported in the literature in individuals with PREPL-related conditions. Algorithms developed to predict the effect of missense changes on protein structure and function are either unavailable or do not agree on the potential impact of this missense change (SIFT: "Deleterious"; PolyPhen-2: "Probably Damaging"; Align-GVGD: "Class C0"). In summary, the available evidence is currently insufficient to determine the role of this variant in disease. Therefore, it has been classified as a Variant of Uncertain Significance.

NM_001171613.2(PREPL):c.1562C>G (p.Pro521Arg)

Gene: PREPL (prolyl endopeptidase like; minus strand). Cytogenetic location: 2p21.
Variant type: single nucleotide variant.
Coding change: c.1562C>G on transcript NM_001171613.2 (MANE Select); coding-DNA position 1562, C replaced by G.
Protein change: p.Pro521Arg; replaces proline 521 with arginine.
Molecular consequence: missense variant.
Genome position (GRCh38, 1-based): chr2:44,323,329, G>C on the plus strand (C>G on the coding strand, the complement: PREPL is on the minus strand). VCF-style: chr2-44323329-G-C. GRCh37 (hg19) VCF-style: chr2-44550468-G-C.
Other names: c.1643C>G, p.Pro548Arg (NM_001042385.2); c.1631C>G, p.Pro544Arg (NM_001042386.2); c.1829C>G, p.Pro610Arg (NM_001171603.1, NM_001171606.2, NM_001374275.1 and 2 more transcripts); c.1562C>G, p.Pro521Arg (NM_001171617.1, NM_001374277.1); short protein forms P548R, P521R, P544R, P610R.
Identifiers: ClinVar variation 1488050 (VCV001488050.5), dbSNP rs778123136, ClinGen allele CA46526160.